The following is an entry in ClinVar:

NM_002971.6(SATB1):c.447del (p.Asp150fs)

Gene: SATB1 (SATB homeobox 1; minus strand). Cytogenetic location: 3p24.3.
Variant type: Deletion.
Coding change: c.447del on transcript NM_002971.6 (MANE Select); coding-DNA position 447, one base deleted (T; older notation c.447delT).
Protein change: p.Asp150fs; shifts the reading frame from aspartic acid 150.
Molecular consequence: frameshift variant.
Genome position (GRCh38, 1-based): chr3:18,416,075, A deleted on the plus strand (T on the coding strand, the reverse complement: SATB1 is on the minus strand). VCF-style (leftmost placement, unchanged base first): chr3-18416074-CA-C. GRCh37 (hg19) VCF-style: chr3-18457566-CA-C.
Other names: c.447del, p.Asp150fs (NM_001131010.4, NM_001195470.3, NM_001322871.2 and 4 more transcripts); c.231del, p.Asp78fs (NM_001322876.2); c.447delT (NM_001195470.3); short protein forms D150fs, D78fs.
Identifiers: ClinVar variation 4530636 (VCV004530636.1).

ClinVar aggregate classification (germline): Likely pathogenic (0 of 4 stars; one submission).

Conditions:
Developmental delay with dysmorphic facies and dental anomalies. Identifiers: MedGen C5543197, MONDO:0030988, OMIM 619228.

Submission:

Diagnostics Centre, Carl Von Ossietzky University Oldenburg
Classification: Likely pathogenic for Developmental delay with dysmorphic facies and dental anomalies. Last evaluated: 2025-03-10. Review status: no assertion criteria provided. Collection method: clinical testing. Allele origin: germline. Affected: yes. Observed: 1 variant allele.
Comment: The variant SATB1:c.447delT results in a frameshift at protein position 150 and the formation of a premature stop codon after four amino acids. The variant affects an exon [4/11] present in biologically relevant transcript and is predicted to cause protein truncation/absent due to nonsense mediated decay in a gene where loss-of-function is a known mechanism of disease. The variant has not yet been described on ClinVar or any other scientific publication. The variant is classified as very rare since it is absent in gnomAD v4.1.0. In summary, the variant is classified as Likely pathogenic.